The following is an entry in ClinVar:

ClinVar aggregate classification (germline): Pathogenic (1 of 4 stars; one submission).

Submission:

Labcorp Genetics (formerly Invitae), Labcorp
Classification: Pathogenic. Last evaluated: 2023-07-29. Review status: criteria provided, single submitter. Criteria: Invitae Variant Classification Sherloc (09022015). Collection method: clinical testing. Allele origin: germline.
Comment: For these reasons, this variant has been classified as Pathogenic. This variant has not been reported in the literature in individuals affected with LAMA3-related conditions. This variant is not present in population databases (gnomAD no frequency). This sequence change creates a premature translational stop signal (p.Leu429Phefs*18) in the LAMA3 gene. It is expected to result in an absent or disrupted protein product. Loss-of-function variants in LAMA3 are known to be pathogenic (PMID: 10366601, 11810295, 12915477, 16473856, 17362460, 22434185, 23869449, 27827380, 28087116).

Literature cited by the submitters: PubMed 10366601; PubMed 11810295; PubMed 12915477; PubMed 16473856; PubMed 17362460; PubMed 22434185; PubMed 23869449; PubMed 27827380; PubMed 28087116.

NM_198129.4(LAMA3):c.6112del (p.Leu2038fs)

Gene: LAMA3 (laminin subunit alpha 3; plus strand). Cytogenetic location: 18q11.2.
Variant type: Deletion.
Coding change: c.6112del on transcript NM_198129.4 (MANE Select); coding-DNA position 6112, one base deleted (C; older notation c.6112delC).
Protein change: p.Leu2038fs; shifts the reading frame from leucine 2038.
Molecular consequence: frameshift variant.
Genome position (GRCh38, 1-based): chr18:23,901,234, C deleted; the last of 2 consecutive C bases (chr18:23,901,233-23,901,234); deleting either gives the same sequence. VCF-style (leftmost placement, unchanged base first): chr18-23901232-AC-A. GRCh37 (hg19) VCF-style: chr18-21481196-AC-A.
Other names: c.1285del, p.Leu429fs (NM_000227.6); c.5944del, p.Leu1982fs (NM_001127717.4); c.1117del, p.Leu373fs (NM_001127718.4); short protein forms L1982fs, L373fs, L429fs, L2038fs.
Identifiers: ClinVar variation 2748077 (VCV002748077.3), dbSNP rs2511392287, ClinGen allele CA2697555353.